The following is an entry in ClinVar:

NM_001126108.2(SLC12A3):c.2186G>A (p.Gly729Asp)

Gene: SLC12A3 (solute carrier family 12 member 3; plus strand). Cytogenetic location: 16q13.
Variant type: single nucleotide variant.
Coding change: c.2186G>A on transcript NM_001126108.2 (MANE Select); coding-DNA position 2186, G replaced by A.
Protein change: p.Gly729Asp; replaces glycine 729 with aspartic acid.
Molecular consequence: missense variant.
Genome position (GRCh38, 1-based): chr16:56,887,932, G>A. VCF-style: chr16-56887932-G-A. GRCh37 (hg19) VCF-style: chr16-56921844-G-A.
Other names: c.2186G>A, p.Gly729Asp (NM_000339.3); c.2183G>A, p.Gly728Asp (NM_001126107.2); short protein forms G729D, G728D.
Identifiers: ClinVar variation 373500 (VCV000373500.5), dbSNP rs373901523, ClinGen allele CA8069789.

ClinVar aggregate classification (germline): Likely pathogenic. Review status: criteria provided, multiple submitters, no conflicts (2 of 4 stars). 2 submissions from 2 submitters: Likely pathogenic (2). Last evaluated 2023-09-22.

Allele frequency attached by ClinVar (database versions not stated): TOPMed 0.00009.
gnomAD v4.1: 1 of 1,612,190 alleles (0.000062%); highest among the groups gnomAD compares: Non-Finnish European, 0.000085%; no homozygotes.

Submissions (2):

Labcorp Genetics (formerly Invitae), Labcorp
Classification: Likely pathogenic. Last evaluated: 2023-09-22. Review status: criteria provided, single submitter. Criteria: Invitae Variant Classification Sherloc (09022015). Collection method: clinical testing. Allele origin: germline.
Comment: In summary, the currently available evidence indicates that the variant is pathogenic, but additional data are needed to prove that conclusively. Therefore, this variant has been classified as Likely Pathogenic. This variant disrupts the p.Gly729 amino acid residue in SLC12A3. Other variant(s) that disrupt this residue have been determined to be pathogenic (PMID: 11168953, 17654016, 31672324). This suggests that this residue is clinically significant, and that variants that disrupt this residue are likely to be disease-causing. Advanced modeling of protein sequence and biophysical properties (such as structural, functional, and spatial information, amino acid conservation, physicochemical variation, residue mobility, and thermodynamic stability) performed at Invitae indicates that this missense variant is expected to disrupt SLC12A3 protein function. ClinVar contains an entry for this variant (Variation ID: 373500). This missense change has been observed in individual(s) with Gitelman's syndrome (PMID: 31672324). This variant is present in population databases (rs373901523, gnomAD 0.002%). This sequence change replaces glycine, which is neutral and non-polar, with aspartic acid, which is acidic and polar, at codon 729 of the SLC12A3 protein (p.Gly729Asp).

GeneDx
Classification: Likely pathogenic. Last evaluated: 2016-12-01. Review status: criteria provided, single submitter. Criteria: GeneDx Variant Classification (06012015). Collection method: clinical testing. Allele origin: germline. Affected: yes.
Comment: The G729D variant in the SLC12A3 gene has not been reported previously as a pathogenic variant, nor as a benign variant, to our knowledge. The G729D variant was not observed in approximately 6500 individuals of European and African American ancestry in the NHLBI Exome Sequencing Project, indicating it is not a common benign variant in these populations. The G729D variant is a non-conservative amino acid substitution, which is likely to impact secondary protein structure as these residues differ in polarity, charge, size and/or other properties. This substitution occurs at a position that is conserved across species. In silico analysis predicts this variant is probably damaging to the protein structure/function. Missense variants in the same residue (G729C, G729A, G729V) and in nearby residues (A728T, G731R) have been reported in the Human Gene Mutation Database in association with Gitelman syndrome (Stenson et al., 2014), supporting the functional importance of this residue and this region of the protein. We interpret G729D as a likely pathogenic variant.

Literature cited by the submitters: PubMed 11168953 (cited by Labcorp Genetics (formerly Invitae), Labcorp); PubMed 17654016 (cited by Labcorp Genetics (formerly Invitae), Labcorp); PubMed 31672324 (cited by Labcorp Genetics (formerly Invitae), Labcorp).